The following is an entry in ClinVar:

ClinVar aggregate classification (germline): Uncertain significance (1 of 4 stars; one submission).

Conditions:
RASopathy. Also called: rasopathies; Noonan spectrum disorder. Identifiers: Orphanet 536391, MedGen C5555857, MONDO:0021060.

Submission:

Labcorp Genetics (formerly Invitae), Labcorp
Classification: Uncertain significance for RASopathy. Last evaluated: 2020-09-13. Review status: criteria provided, single submitter. Criteria: Invitae Variant Classification Sherloc (09022015). Collection method: clinical testing. Allele origin: germline.
Comment: This sequence change replaces proline with histidine at codon 1021 of the SOS1 protein (p.Pro1021His). The proline residue is weakly conserved and there is a moderate physicochemical difference between proline and histidine. This variant is not present in population databases (ExAC no frequency). This variant has not been reported in the literature in individuals with SOS1-related conditions. Advanced modeling of protein sequence and biophysical properties (such as structural, functional, and spatial information, amino acid conservation, physicochemical variation, residue mobility, and thermodynamic stability) performed at Invitae indicates that this missense variant is not expected to disrupt SOS1 protein function. In summary, the available evidence is currently insufficient to determine the role of this variant in disease. Therefore, it has been classified as a Variant of Uncertain Significance.

NM_005633.4(SOS1):c.3062C>A (p.Pro1021His)

Gene: SOS1 (SOS Ras/Rac guanine nucleotide exchange factor 1; minus strand). Cytogenetic location: 2p22.1.
Variant type: single nucleotide variant.
Coding change: c.3062C>A on transcript NM_005633.4 (MANE Select); coding-DNA position 3062, C replaced by A.
Protein change: p.Pro1021His; replaces proline 1021 with histidine.
Molecular consequence: missense variant.
Genome position (GRCh38, 1-based): chr2:38,996,941, G>T on the plus strand (C>A on the coding strand, the complement: SOS1 is on the minus strand). VCF-style: chr2-38996941-G-T. GRCh37 (hg19) VCF-style: chr2-39224082-G-T.
Other names: c.3041C>A, p.Pro1014His (NM_001382394.1); c.3062C>A, p.Pro1021His (NM_001382395.1); short protein forms P1014H, P1021H.
Identifiers: ClinVar variation 1045206 (VCV001045206.8), dbSNP rs771279973, ClinGen allele CA346361329.